The following is an entry in ClinVar:

ClinVar aggregate classification (germline): Pathogenic. Review status: criteria provided, multiple submitters, no conflicts (2 of 4 stars). 2 submissions from 2 submitters: Pathogenic (2). Last evaluated 2025-01-23.

Conditions:
Coenzyme Q10 deficiency, primary, 1. Also called: UBIQUINONE DEFICIENCY 1; COENZYME Q DEFICIENCY 1; CoQ DEFICIENCY 1. Identifiers: Orphanet 255249, MedGen C3551954, MONDO:0011829, OMIM 607426.

Submissions (2):

Women's Health and Genetics/Laboratory Corporation of America, LabCorp
Classification: Pathogenic for Coenzyme Q10 deficiency, primary, 1. Last evaluated: 2025-01-23. Review status: criteria provided, single submitter. Criteria: LabCorp Variant Classification Summary - May 2015. Collection method: clinical testing. Allele origin: germline.
Comment: Variant summary: COQ2 c.40dupG (p.Ala14GlyfsX79) results in a premature termination codon, predicted to cause a truncation of the encoded protein or absence of the protein due to nonsense mediated decay, which are commonly known mechanisms for disease. The variant was absent in 131112 control chromosomes. To our knowledge, no occurrence of c.40dupG in individuals affected with Coenzyme Q10 Deficiency, Primary, 1 and no experimental evidence demonstrating its impact on protein function have been reported. No submitters have cited clinical-significance assessments for this variant to ClinVar. Based on the evidence outlined above, the variant was classified as pathogenic.

Genetics and Genomic Medicine Centre, NeuroGen Healthcare, NeuroGen Healthcare
Classification: Pathogenic for Coenzyme Q10 deficiency, primary, 1. Last evaluated: 2024-11-17. Review status: criteria provided, single submitter. Criteria: ACMG Guidelines, 2015. Collection method: clinical testing. Allele origin: unknown. Affected: yes.

NM_015697.9(COQ2):c.40dup (p.Ala14fs)

Genes: COQ2 (coenzyme Q2, polyprenyltransferase; minus strand), LOC112997540 (Sharpr-MPRA regulatory region 13773; plus strand). Cytogenetic location: 4q21.23.
Variant type: Duplication.
Coding change: c.40dup on transcript NM_015697.9; coding-DNA position 40, one base duplicated (G; older notation c.40dupG).
Protein change: p.Ala14fs; shifts the reading frame from alanine 14.
Molecular consequence: frameshift variant.
Genome position (GRCh38, 1-based): chr4:83,284,875, C duplicated on the plus strand (G on the coding strand, the reverse complement: COQ2 is on the minus strand). VCF-style (leftmost placement, unchanged base first): chr4-83284874-G-GC. GRCh37 (hg19) VCF-style: chr4-84206027-G-GC.
Other names: c.40dupG (NM_015697.9); short protein forms A14fs.
Identifiers: ClinVar variation 3769478 (VCV003769478.3).